The following is an entry in ClinVar:

ClinVar aggregate classification (germline): Uncertain significance. Review status: criteria provided, multiple submitters, no conflicts (2 of 4 stars). 2 submissions from 2 submitters: Uncertain significance (2). Last evaluated 2024-11-30.

Conditions:
Developmental and epileptic encephalopathy, 36 (DEE36). Also called: Epileptic encephalopathy, early infantile, 36; Congenital disorder of glycosylation, type Is; ALG13-CDG. Identifiers: Orphanet 324422, MedGen C4317295, MONDO:0010472, OMIM 300884.

Submissions (2):

GeneDx
Classification: Uncertain significance. Last evaluated: 2024-11-30. Review status: criteria provided, single submitter. Criteria: GeneDx Variant Classification Process June 2021. Collection method: clinical testing. Allele origin: germline. Affected: yes.
Comment: Not observed at significant frequency in large population cohorts (gnomAD); In silico analysis supports that this missense variant has a deleterious effect on protein structure/function; Has not been previously published as pathogenic or benign to our knowledge

Labcorp Genetics (formerly Invitae), Labcorp
Classification: Uncertain significance for Developmental and epileptic encephalopathy, 36. Last evaluated: 2023-07-14. Review status: criteria provided, single submitter. Criteria: Invitae Variant Classification Sherloc (09022015). Collection method: clinical testing. Allele origin: germline.
Comment: In summary, the available evidence is currently insufficient to determine the role of this variant in disease. Therefore, it has been classified as a Variant of Uncertain Significance. Advanced modeling of protein sequence and biophysical properties (such as structural, functional, and spatial information, amino acid conservation, physicochemical variation, residue mobility, and thermodynamic stability) performed at Invitae indicates that this missense variant is not expected to disrupt ALG13 protein function. This variant has not been reported in the literature in individuals affected with ALG13-related conditions. This variant is not present in population databases (gnomAD no frequency). This sequence change replaces glutamine, which is neutral and polar, with proline, which is neutral and non-polar, at codon 273 of the ALG13 protein (p.Gln273Pro).

NM_001099922.3(ALG13):c.818A>C (p.Gln273Pro)

Gene: ALG13 (ALG13 UDP-N-acetylglucosaminyltransferase subunit; plus strand). Cytogenetic location: Xq23.
Variant type: single nucleotide variant.
Coding change: c.818A>C on transcript NM_001099922.3 (MANE Select); coding-DNA position 818, A replaced by C.
Protein change: p.Gln273Pro; replaces glutamine 273 with proline.
Molecular consequence: missense variant. On other transcripts: non-coding transcript variant (1).
Genome position (GRCh38, 1-based): chrX:111,709,032, A>C. VCF-style: chrX-111709032-A-C. GRCh37 (hg19) VCF-style: chrX-110952260-A-C.
Other names: c.506A>C, p.Gln169Pro (NM_001257230.2, NM_001257234.2, NM_001257237.2 and 1 more transcripts); c.584A>C, p.Gln195Pro (NM_001257231.2); c.818A>C, p.Gln273Pro (NM_001324292.2); short protein forms Q169P, Q273P, Q195P.
Identifiers: ClinVar variation 2727036 (VCV002727036.3), dbSNP rs2525581608, ClinGen allele CA414250167.